The following is an entry in ClinVar:

NM_017636.4(TRPM4):c.2512G>A (p.Gly838Ser)

Gene: TRPM4 (transient receptor potential cation channel subfamily M member 4; plus strand). Cytogenetic location: 19q13.33.
Variant type: single nucleotide variant.
Coding change: c.2512G>A on transcript NM_017636.4 (MANE Select); coding-DNA position 2512, G replaced by A.
Protein change: p.Gly838Ser; replaces glycine 838 with serine.
Molecular consequence: missense variant. On other transcripts: intron variant (1).
Genome position (GRCh38, 1-based): chr19:49,196,741, G>A. VCF-style: chr19-49196741-G-A. GRCh37 (hg19) VCF-style: chr19-49699998-G-A.
Other names: c.2167G>A, p.Gly723Ser (NM_001321281.2); c.904G>A, p.Gly302Ser (NM_001321282.2); c.1990G>A, p.Gly664Ser (NM_001321283.2); c.1450G>A, p.Gly484Ser (NM_001321285.2); c.2211-3559G>A (NM_001195227.2); short protein forms G302S, G664S, G838S, G484S, G723S.
Identifiers: ClinVar variation 2625622 (VCV002625622.5), dbSNP rs939231588, ClinGen allele CA309455327.

ClinVar aggregate classification (germline): Uncertain significance. Review status: criteria provided, multiple submitters, no conflicts (2 of 4 stars). 2 submissions from 2 submitters: Uncertain significance (2). Last evaluated 2023-08-19.

Conditions:
Cardiovascular phenotype. Identifiers: MedGen CN230736.
Progressive familial heart block type IB (PFHB1B). Identifiers: Orphanet 871, MedGen C1970298, MONDO:0011474, OMIM 604559.

Allele frequency attached by ClinVar (database versions not stated): gnomAD exomes 0.00001.
gnomAD v4.1: 9 of 1,550,108 alleles (0.00058%); highest among the groups gnomAD compares: Non-Finnish European, 0.00078%; no homozygotes.

Submissions (2):

Labcorp Genetics (formerly Invitae), Labcorp
Classification: Uncertain significance for Progressive familial heart block type IB. Last evaluated: 2023-08-19. Review status: criteria provided, single submitter. Criteria: Invitae Variant Classification Sherloc (09022015). Collection method: clinical testing. Allele origin: germline.
Comment: This sequence change replaces glycine, which is neutral and non-polar, with serine, which is neutral and polar, at codon 838 of the TRPM4 protein (p.Gly838Ser). In summary, the available evidence is currently insufficient to determine the role of this variant in disease. Therefore, it has been classified as a Variant of Uncertain Significance. An algorithm developed to predict the effect of missense changes on protein structure and function (PolyPhen-2) suggests that this variant is likely to be disruptive. This variant has not been reported in the literature in individuals affected with TRPM4-related conditions. This variant is present in population databases (no rsID available, gnomAD 0.002%).

Ambry Genetics
Classification: Uncertain significance for Cardiovascular phenotype. Last evaluated: 2023-07-29. Review status: criteria provided, single submitter. Criteria: Ambry Variant Classification Scheme 2023. Collection method: clinical testing. Allele origin: germline.
Comment: The p.G838S variant (also known as c.2512G>A), located in coding exon 17 of the TRPM4 gene, results from a G to A substitution at nucleotide position 2512. The glycine at codon 838 is replaced by serine, an amino acid with similar properties. This amino acid position is conserved. In addition, this alteration is predicted to be tolerated by in silico analysis. Since supporting evidence is limited at this time, the clinical significance of this alteration remains unclear.